The following is an entry in ClinVar:

ClinVar aggregate classification (germline): Likely benign (0 of 4 stars; one submission).

Conditions:
FAM111A-related disorder. Also called: FAM111A-related condition.

Allele frequency attached by ClinVar (database versions not stated): gnomAD exomes below 0.00001; TOPMed below 0.00001; gnomAD 0.00001.
gnomAD v4.1: 3 of 1,614,082 alleles (0.00019%); highest among the groups gnomAD compares: Non-Finnish European, 0.00025%; no homozygotes.

Submission:

PreventionGenetics, part of Exact Sciences
Classification: Likely benign for FAM111A-related condition. Last evaluated: 2019-08-01. Review status: no assertion criteria provided. Collection method: clinical testing. Allele origin: germline.
Comment: This variant is classified as likely benign based on ACMG/AMP sequence variant interpretation guidelines (Richards et al. 2015 PMID: 25741868, with internal and published modifications).

NM_001312909.2(FAM111A):c.345A>G (p.Arg115=)

Gene: FAM111A (FAM111 trypsin like peptidase A; plus strand). Cytogenetic location: 11q12.1.
Variant type: single nucleotide variant.
Coding change: c.345A>G on transcript NM_001312909.2 (MANE Select); coding-DNA position 345, A replaced by G.
Protein change: p.Arg115=; no amino-acid change (arginine 115 retained).
Molecular consequence: synonymous variant.
Genome position (GRCh38, 1-based): chr11:59,152,013, A>G. VCF-style: chr11-59152013-A-G. GRCh37 (hg19) VCF-style: chr11-58919486-A-G.
Other names: c.345A>G, p.Arg115= (NM_001142519.3, NM_001142520.3, NM_001142521.3 and 29 more transcripts).
Identifiers: ClinVar variation 3035478 (VCV003035478.2), dbSNP rs1449491419, ClinGen allele CA474819382.